The following is an entry in ClinVar:

ClinVar aggregate classification (germline): Uncertain significance (1 of 4 stars; one submission).

Conditions:
Familial focal epilepsy with variable foci (FPEVF). Identifiers: Orphanet 98820, MedGen C1858477, MONDO:0020310.

gnomAD v4.1: 1 of 1,614,028 alleles (0.000062%); highest among the groups gnomAD compares: African/African-American, 0.0013%; no homozygotes.

Submission:

Labcorp Genetics (formerly Invitae), Labcorp
Classification: Uncertain significance for Familial focal epilepsy with variable foci. Last evaluated: 2021-11-19. Review status: criteria provided, single submitter. Criteria: Invitae Variant Classification Sherloc (09022015). Collection method: clinical testing. Allele origin: germline.
Comment: This sequence change replaces valine, which is neutral and non-polar, with phenylalanine, which is neutral and non-polar, at codon 826 of the DEPDC5 protein (p.Val826Phe). This variant is not present in population databases (gnomAD no frequency). This variant has not been reported in the literature in individuals affected with DEPDC5-related conditions. Algorithms developed to predict the effect of missense changes on protein structure and function are either unavailable or do not agree on the potential impact of this missense change (SIFT: "Tolerated"; PolyPhen-2: "Not Available"; Align-GVGD: "Class C0"). In summary, the available evidence is currently insufficient to determine the role of this variant in disease. Therefore, it has been classified as a Variant of Uncertain Significance.

NM_001242896.3(DEPDC5):c.2476G>T (p.Val826Phe)

Gene: DEPDC5 (DEP domain containing 5, GATOR1 subcomplex subunit; plus strand). Cytogenetic location: 22q12.3.
Variant type: single nucleotide variant.
Coding change: c.2476G>T on transcript NM_001242896.3 (MANE Select); coding-DNA position 2476, G replaced by T.
Protein change: p.Val826Phe; replaces valine 826 with phenylalanine.
Molecular consequence: missense variant. On other transcripts: non-coding transcript variant (5).
Genome position (GRCh38, 1-based): chr22:31,838,806, G>T. VCF-style: chr22-31838806-G-T. GRCh37 (hg19) VCF-style: chr22-32234792-G-T.
Other names: c.2449G>T, p.Val817Phe (NM_001136029.4, NM_001369903.1, NM_014662.6); c.2242G>T, p.Val748Phe (NM_001242897.2, NM_001363854.2, NM_001364319.2); c.2476G>T, p.Val826Phe (NM_001363852.2, NM_001364318.2, NM_001364320.2); c.2392G>T, p.Val798Phe (NM_001369901.1, NM_001369902.1); short protein forms V817F, V748F, V798F, V826F.
Identifiers: ClinVar variation 1440912 (VCV001440912.6), dbSNP rs1468914738, ClinGen allele CA411287655.